The following is an entry in ClinVar:

ClinVar aggregate classification (germline): Uncertain significance (1 of 4 stars; one submission).

Submission:

Labcorp Genetics (formerly Invitae), Labcorp
Classification: Uncertain significance. Last evaluated: 2023-02-27. Review status: criteria provided, single submitter. Criteria: Invitae Variant Classification Sherloc (09022015). Collection method: clinical testing. Allele origin: germline.
Comment: In summary, the available evidence is currently insufficient to determine the role of this variant in disease. Therefore, it has been classified as a Variant of Uncertain Significance. Advanced modeling of protein sequence and biophysical properties (such as structural, functional, and spatial information, amino acid conservation, physicochemical variation, residue mobility, and thermodynamic stability) performed at Invitae indicates that this missense variant is not expected to disrupt UNC80 protein function. This variant has not been reported in the literature in individuals affected with UNC80-related conditions. This variant is not present in population databases (gnomAD no frequency). This sequence change replaces phenylalanine, which is neutral and non-polar, with isoleucine, which is neutral and non-polar, at codon 1633 of the UNC80 protein (p.Phe1633Ile).

NM_001371986.1(UNC80):c.5095T>A (p.Phe1699Ile)

Genes: UNC80 (unc-80 subunit of NALCN channel complex; plus strand), LOC126806490 (P300/CBP strongly-dependent group 1 enhancer GRCh37_chr2:210782411-210783610; plus strand). Cytogenetic location: 2q34.
Variant type: single nucleotide variant.
Coding change: c.5095T>A on transcript NM_001371986.1 (MANE Select); coding-DNA position 5095, T replaced by A.
Protein change: p.Phe1699Ile; replaces phenylalanine 1699 with isoleucine.
Molecular consequence: missense variant.
Genome position (GRCh38, 1-based): chr2:209,917,842, T>A. VCF-style: chr2-209917842-T-A. GRCh37 (hg19) VCF-style: chr2-210782566-T-A.
Other names: c.4897T>A, p.Phe1633Ile (NM_032504.2); c.4882T>A, p.Phe1628Ile (NM_182587.4); short protein forms F1633I, F1628I, F1699I.
Identifiers: ClinVar variation 2833646 (VCV002833646.3), dbSNP rs2471126555, ClinGen allele CA350758793.